The following is an entry in ClinVar:

ClinVar aggregate classification (germline): Uncertain significance (1 of 4 stars; one submission).

Conditions:
Duchenne muscular dystrophy (DMD). Also called: MUSCULAR DYSTROPHY, PSEUDOHYPERTROPHIC PROGRESSIVE, DUCHENNE TYPE; Duchenne Muscular Dystrophy (DMD). Identifiers: Orphanet 98896, MedGen C0013264, MONDO:0010679, OMIM 310200.

Allele frequency attached by ClinVar (database versions not stated): gnomAD exomes 0.00001; TOPMed 0.00001; ExAC 0.00004.
gnomAD v4.1: 5 of 1,209,553 alleles (0.00041%); highest among the groups gnomAD compares: Admixed American, 0.011%; no homozygotes.

Submission:

Labcorp Genetics (formerly Invitae), Labcorp
Classification: Uncertain significance for Duchenne muscular dystrophy. Last evaluated: 2023-12-27. Review status: criteria provided, single submitter. Criteria: Invitae Variant Classification Sherloc (09022015). Collection method: clinical testing. Allele origin: germline.
Comment: This sequence change replaces lysine, which is basic and polar, with asparagine, which is neutral and polar, at codon 1857 of the DMD protein (p.Lys1857Asn). This variant is present in population databases (rs764236140, gnomAD 0.02%). This variant has not been reported in the literature in individuals affected with DMD-related conditions. ClinVar contains an entry for this variant (Variation ID: 2166865). Advanced modeling of protein sequence and biophysical properties (such as structural, functional, and spatial information, amino acid conservation, physicochemical variation, residue mobility, and thermodynamic stability) performed at Invitae indicates that this missense variant is not expected to disrupt DMD protein function with a negative predictive value of 95%. In summary, the available evidence is currently insufficient to determine the role of this variant in disease. Therefore, it has been classified as a Variant of Uncertain Significance.

NM_004006.3(DMD):c.5571A>C (p.Lys1857Asn)

Gene: DMD (dystrophin; minus strand). Cytogenetic location: Xp21.1.
Variant type: single nucleotide variant.
Coding change: c.5571A>C on transcript NM_004006.3 (MANE Select); coding-DNA position 5571, A replaced by C.
Protein change: p.Lys1857Asn; replaces lysine 1857 with asparagine.
Molecular consequence: missense variant.
Genome position (GRCh38, 1-based): chrX:32,345,958, T>G on the plus strand (A>C on the coding strand, the complement: DMD is on the minus strand). VCF-style: chrX-32345958-T-G. GRCh37 (hg19) VCF-style: chrX-32364075-T-G.
Other names: c.5547A>C, p.Lys1849Asn (NM_000109.4); c.5559A>C, p.Lys1853Asn (NM_004009.3); c.5202A>C, p.Lys1734Asn (NM_004010.3); c.1548A>C, p.Lys516Asn (NM_004011.4); c.1539A>C, p.Lys513Asn (NM_004012.4); short protein forms K1857N, K513N, K516N, K1734N, K1849N, K1853N.
Identifiers: ClinVar variation 2166865 (VCV002166865.3), dbSNP rs764236140, ClinGen allele CA10378652.